The following is an entry in ClinVar:

NM_000702.4(ATP1A2):c.*589G>C

Gene: ATP1A2 (ATPase Na+/K+ transporting subunit alpha 2; plus strand). Cytogenetic location: 1q23.2.
Variant type: single nucleotide variant.
Coding change: c.*589G>C on transcript NM_000702.4 (MANE Select); 589 bases downstream of the stop codon, G replaced by C.
Molecular consequence: 3 prime UTR variant.
Genome position (GRCh38, 1-based): chr1:160,141,911, G>C. VCF-style: chr1-160141911-G-C. GRCh37 (hg19) VCF-style: chr1-160111701-G-C.
Identifiers: ClinVar variation 293147 (VCV000293147.6), dbSNP rs2070702, ClinGen allele CA10608091.

ClinVar aggregate classification (germline): Benign. Review status: criteria provided, multiple submitters, no conflicts (2 of 4 stars). 3 submissions from 2 submitters: Benign (3). Last evaluated 2018-01-13.

Conditions:
Alternating hemiplegia of childhood 1 (AHC1). Identifiers: Orphanet 2131, MedGen C3549447, MONDO:0007087, OMIM 104290.
Migraine, familial hemiplegic, 2. Identifiers: Orphanet 569, MedGen C1865322, MONDO:0011232, OMIM 602481.

Allele frequency attached by ClinVar (database versions not stated): gnomAD exomes 0.17592; gnomAD 0.20323; 1000 Genomes Project 0.20887; TOPMed 0.20912; 1000 Genomes Project 30x 0.20987.

Submissions (3):

Illumina Laboratory Services, Illumina
Classification: Benign for Migraine, familial hemiplegic, 2. Last evaluated: 2018-01-13. Review status: criteria provided, single submitter. Criteria: ICSL Variant Classification Criteria 13 December 2019. Collection method: clinical testing. Allele origin: germline.
Comment: This variant was observed in the ICSL laboratory as part of a predisposition screen in an ostensibly healthy population. It had not been previously curated by ICSL or reported in the Human Gene Mutation Database (HGMD: prior to June 1st, 2018), and was therefore a candidate for classification through an automated scoring system. Utilizing variant allele frequency, disease prevalence and penetrance estimates, and inheritance mode, an automated score was calculated to assess if this variant is too frequent to cause the disease. Based on the score and internal cut-off values, a variant classified as benign is not then subjected to further curation. The score for this variant resulted in a classification of benign for this disease.

Illumina Laboratory Services, Illumina
Classification: Benign for Alternating hemiplegia of childhood 1. Last evaluated: 2018-01-13. Review status: criteria provided, single submitter. Criteria: ICSL Variant Classification Criteria 13 December 2019. Collection method: clinical testing. Allele origin: germline.
Comment: the same text as in the submission from Illumina Laboratory Services, Illumina above.

Breakthrough Genomics
Classification: Benign. Review status: criteria provided, single submitter. Criteria: ACMG Guidelines, 2015. Collection method: not provided. Allele origin: germline. Inheritance: Autosomal recessive inheritance. Affected: yes.